The following is an entry in ClinVar:

ClinVar aggregate classification (germline): Likely pathogenic (1 of 4 stars; one submission).

Conditions:
Galactosylceramide beta-galactosidase deficiency. Also called: Krabbe Disease; Leukodystrophy, Globoid Cell; GALACTOCEREBROSIDASE DEFICIENCY; GALC DEFICIENCY; GLOBOID CELL LEUKOENCEPHALOPATHY. Identifiers: Orphanet 487, MedGen C0023521, MONDO:0009499, OMIM 245200.

Submission:

Labcorp Genetics (formerly Invitae), Labcorp
Classification: Likely pathogenic for Galactosylceramide beta-galactosidase deficiency. Last evaluated: 2021-08-21. Review status: criteria provided, single submitter. Criteria: Invitae Variant Classification Sherloc (09022015). Collection method: clinical testing. Allele origin: germline.
Comment: In summary, the currently available evidence indicates that the variant is pathogenic, but additional data are needed to prove that conclusively. Therefore, this variant has been classified as Likely Pathogenic. This variant disrupts the p.Gly57 amino acid residue in GALC. Other variant(s) that disrupt this residue have been determined to be pathogenic (PMID: 21070211). This suggests that this residue is clinically significant, and that variants that disrupt this residue are likely to be disease-causing. Advanced modeling of protein sequence and biophysical properties (such as structural, functional, and spatial information, amino acid conservation, physicochemical variation, residue mobility, and thermodynamic stability) performed at Invitae indicates that this missense variant is expected to disrupt GALC protein function. This variant has not been reported in the literature in individuals affected with GALC-related conditions. The frequency data for this variant in the population databases is considered unreliable, as metrics indicate insufficient coverage at this position in the ExAC database. This sequence change replaces glycine with cysteine at codon 57 of the GALC protein (p.Gly57Cys). The glycine residue is highly conserved and there is a large physicochemical difference between glycine and cysteine.

Literature cited by the submitters: PubMed 21070211.

NM_000153.4(GALC):c.169G>T (p.Gly57Cys)

Genes: GALC (galactosylceramidase; minus strand), LOC130056217 (ATAC-STARR-seq lymphoblastoid silent region 5988; plus strand). Cytogenetic location: 14q31.3.
Variant type: single nucleotide variant.
Coding change: c.169G>T on transcript NM_000153.4 (MANE Select); coding-DNA position 169, G replaced by T.
Protein change: p.Gly57Cys; replaces glycine 57 with cysteine.
Molecular consequence: missense variant. On other transcripts: intron variant (1).
Genome position (GRCh38, 1-based): chr14:87,992,996, C>A on the plus strand (G>T on the coding strand, the complement: GALC is on the minus strand). VCF-style: chr14-87992996-C-A. GRCh37 (hg19) VCF-style: chr14-88459340-C-A.
Other names: c.169G>T, p.Gly57Cys (NM_001201401.2); c.117+387G>T (NM_001201402.2); short protein forms G57C.
Identifiers: ClinVar variation 1346242 (VCV001346242.6), dbSNP rs11623, ClinGen allele CA390771699.